The following is an entry in ClinVar:

NM_000493.4(COL10A1):c.1990T>C (p.Ser664Pro)

Genes: COL10A1 (collagen type X alpha 1 chain; minus strand), NT5DC1 (5'-nucleotidase domain containing 1; plus strand). Cytogenetic location: 6q22.1.
Variant type: single nucleotide variant.
Coding change: c.1990T>C on transcript NM_000493.4 (MANE Select); coding-DNA position 1990, T replaced by C.
Protein change: p.Ser664Pro; replaces serine 664 with proline.
Molecular consequence: missense variant. On other transcripts: intron variant (1).
Genome position (GRCh38, 1-based): chr6:116,120,126, A>G on the plus strand (T>C on the coding strand, the complement: COL10A1 is on the minus strand). VCF-style: chr6-116120126-A-G. GRCh37 (hg19) VCF-style: chr6-116441289-A-G.
Other names: c.1990T>C, p.Ser664Pro (NM_001424106.1, NM_001424107.1); c.529+2181A>G (NM_152729.3); short protein forms S664P.
Identifiers: ClinVar variation 4706572 (VCV004706572.1).

ClinVar aggregate classification (germline): Uncertain significance (1 of 4 stars; one submission).

gnomAD v4.1: 15 of 1,613,982 alleles (0.00093%); highest among the groups gnomAD compares: Non-Finnish European, 0.001%; no homozygotes.

Submission:

Labcorp Genetics (formerly Invitae), Labcorp
Classification: Uncertain significance. Last evaluated: 2026-01-04. Review status: criteria provided, single submitter. Criteria: Invitae Variant Classification Sherloc (09022015). Collection method: clinical testing. Allele origin: germline.
Comment: This sequence change replaces serine, which is neutral and polar, with proline, which is neutral and non-polar, at codon 664 of the COL10A1 protein (p.Ser664Pro). This variant is present in population databases (rs772699212, gnomAD 0.0009%). This variant has not been reported in the literature in individuals affected with COL10A1-related conditions. Invitae Evidence Modeling of protein sequence and biophysical properties (such as structural, functional, and spatial information, amino acid conservation, physicochemical variation, residue mobility, and thermodynamic stability) has been performed for this missense variant. However, the output from this modeling did not meet the statistical confidence thresholds required to predict the impact of this variant on COL10A1 protein function. In summary, the available evidence is currently insufficient to determine the role of this variant in disease. Therefore, it has been classified as a Variant of Uncertain Significance.